The following is an entry in ClinVar:

NM_001171613.2(PREPL):c.304G>A (p.Asp102Asn)

Gene: PREPL (prolyl endopeptidase like; minus strand). Cytogenetic location: 2p21.
Variant type: single nucleotide variant.
Coding change: c.304G>A on transcript NM_001171613.2 (MANE Select); coding-DNA position 304, G replaced by A.
Protein change: p.Asp102Asn; replaces aspartic acid 102 with asparagine.
Molecular consequence: missense variant.
Genome position (GRCh38, 1-based): chr2:44,343,790, C>T on the plus strand (G>A on the coding strand, the complement: PREPL is on the minus strand). VCF-style: chr2-44343790-C-T. GRCh37 (hg19) VCF-style: chr2-44570929-C-T.
Other names: c.571G>A, p.Asp191Asn (NM_001042385.2, NM_001042386.2, NM_001171603.1 and 4 more transcripts); c.304G>A, p.Asp102Asn (NM_001171617.1, NM_001374277.1); short protein forms D102N, D191N.
Identifiers: ClinVar variation 1014446 (VCV001014446.7), dbSNP rs761397318, ClinGen allele CA1641545.

ClinVar aggregate classification (germline): Uncertain significance. Review status: criteria provided, multiple submitters, no conflicts (2 of 4 stars). 2 submissions from 2 submitters: Uncertain significance (2). Last evaluated 2025-01-16.

Conditions:
Inborn genetic diseases. Identifiers: MedGen C0950123, MeSH D030342.
Myasthenic syndrome, congenital, 22 (CMS22). Also called: PREPL DEFICIENCY. Identifiers: MedGen C4479088, MONDO:0044299, OMIM 616224.

Allele frequency attached by ClinVar (database versions not stated): TOPMed 0.00002.
gnomAD v4.1: 15 of 1,613,882 alleles (0.00093%); highest among the groups gnomAD compares: Middle Eastern, 0.016%; no homozygotes.

Submissions (2):

Ambry Genetics
Classification: Uncertain significance for Inborn genetic diseases. Last evaluated: 2025-01-16. Review status: criteria provided, single submitter. Criteria: Ambry Variant Classification Scheme 2023. Collection method: clinical testing. Allele origin: germline.

Labcorp Genetics (formerly Invitae), Labcorp
Classification: Uncertain significance for Myasthenic syndrome, congenital, 22. Last evaluated: 2020-01-17. Review status: criteria provided, single submitter. Criteria: Invitae Variant Classification Sherloc (09022015). Collection method: clinical testing. Allele origin: germline.
Comment: In summary, the available evidence is currently insufficient to determine the role of this variant in disease. Therefore, it has been classified as a Variant of Uncertain Significance. Algorithms developed to predict the effect of missense changes on protein structure and function (SIFT, PolyPhen-2, Align-GVGD) all suggest that this variant is likely to be tolerated, but these predictions have not been confirmed by published functional studies and their clinical significance is uncertain. This variant has not been reported in the literature in individuals with PREPL-related conditions. This variant is present in population databases (rs761397318, ExAC 0.003%). This sequence change replaces aspartic acid with asparagine at codon 191 of the PREPL protein (p.Asp191Asn). The aspartic acid residue is highly conserved and there is a small physicochemical difference between aspartic acid and asparagine.